The following is an entry in ClinVar:

ClinVar aggregate classification (germline): Benign (1 of 4 stars; one submission).

Conditions:
Hereditary diffuse gastric adenocarcinoma (HDGC). Also called: DIFFUSE GASTRIC AND LOBULAR BREAST CANCER SYNDROME. Identifiers: Orphanet 26106, MedGen C1708349, MONDO:0007648, OMIM 137215.

Submission:

Myriad Genetics, Inc.
Classification: Benign for Hereditary diffuse gastric adenocarcinoma. Last evaluated: 2024-09-24. Review status: criteria provided, single submitter. Criteria: Myriad Autosomal Dominant, Autosomal Recessive and X-Linked Classification Criteria (2023). Collection method: clinical testing. Allele origin: unknown.
Comment: This variant is considered benign. This variant is a silent/synonymous amino acid change and it is not expected to impact splicing.

NM_004360.5(CDH1):c.2484T>C (p.Asp828=)

Gene: CDH1 (cadherin 1; plus strand). Cytogenetic location: 16q22.1.
Variant type: single nucleotide variant.
Coding change: c.2484T>C on transcript NM_004360.5 (MANE Select); coding-DNA position 2484, T replaced by C.
Protein change: p.Asp828=; no amino-acid change (aspartic acid 828 retained).
Molecular consequence: synonymous variant.
Genome position (GRCh38, 1-based): chr16:68,833,334, T>C. VCF-style: chr16-68833334-T-C. GRCh37 (hg19) VCF-style: chr16-68867237-T-C.
Other names: c.2301T>C, p.Asp767= (NM_001317184.2); c.936T>C, p.Asp312= (NM_001317185.2); c.519T>C, p.Asp173= (NM_001317186.2).
Identifiers: ClinVar variation 3379283 (VCV003379283.1).